The following is an entry in ClinVar:

ClinVar aggregate classification (germline): Likely pathogenic (1 of 4 stars; one submission).

Conditions:
Hereditary thrombophilia due to congenital protein C deficiency. Identifiers: Orphanet 745, MedGen C0598221, MONDO:0019145.

Submission:

MVZ Dr. Eberhard & Partner Dortmund
Classification: Likely pathogenic for Hereditary thrombophilia due to congenital protein C deficiency. Last evaluated: 2022-12-07. Review status: criteria provided, single submitter. Criteria: ACMG Guidelines, 2015. Collection method: clinical testing. Allele origin: unknown. Observed: 1 heterozygote.
Comment: This variant was absent from variant databases and control databases. Splicing predictions were inconspicious. The nucleotide change at that position causes a premature stop codon in the last exon. The amino acid position itself is important regarding Levo et al. 2000. In Alhenc-Gelas et al. 2020 the nucleotide exchange c.1266G>A, also leading to a premature stop codon, is already classified as pathogenic.

Literature cited by the submitters: PubMed 11019966; PubMed 32717757.

NM_000312.4(PROC):c.1265G>A (p.Trp422Ter)

Gene: PROC (protein C, inactivator of coagulation factors Va and VIIIa; plus strand). Cytogenetic location: 2q14.3.
Variant type: single nucleotide variant.
Coding change: c.1265G>A on transcript NM_000312.4 (MANE Select); coding-DNA position 1265, G replaced by A.
Protein change: p.Trp422Ter; replaces tryptophan 422 with a stop codon.
Molecular consequence: nonsense.
Genome position (GRCh38, 1-based): chr2:127,428,825, G>A. VCF-style: chr2-127428825-G-A. GRCh37 (hg19) VCF-style: chr2-128186401-G-A.
Other names: c.1448G>A, p.Trp483Ter (NM_001375602.1); c.1430G>A, p.Trp477Ter (NM_001375603.1); c.1328G>A, p.Trp443Ter (NM_001375604.1); c.1367G>A, p.Trp456Ter (NM_001375605.1); c.1433G>A, p.Trp478Ter (NM_001375606.1); c.1451G>A, p.Trp484Ter (NM_001375607.1); c.1208G>A, p.Trp403Ter (NM_001375608.1); c.1241G>A, p.Trp414Ter (NM_001375609.1); and 2 more; short protein forms W403*, W484*, W456*, W483*, W420*, W422*, W477*, W414*.
Identifiers: ClinVar variation 2775426 (VCV002775426.2), dbSNP rs2468379908, ClinGen allele CA348406501.